The following is an entry in ClinVar:

NM_001001936.3(AFAP1L2):c.2190C>T (p.Arg730=)

Gene: AFAP1L2 (actin filament associated protein 1 like 2; minus strand). Cytogenetic location: 10q25.3.
Variant type: single nucleotide variant.
Coding change: c.2190C>T on transcript NM_001001936.3 (MANE Select); coding-DNA position 2190, C replaced by T.
Protein change: p.Arg730=; no amino-acid change (arginine 730 retained).
Molecular consequence: synonymous variant.
Genome position (GRCh38, 1-based): chr10:114,297,337, G>A on the plus strand (C>T on the coding strand, the complement: AFAP1L2 is on the minus strand). VCF-style: chr10-114297337-G-A. GRCh37 (hg19) VCF-style: chr10-116057096-G-A.
Other names: c.2349C>T, p.Arg783= (NM_001287824.2); c.2241C>T, p.Arg747= (NM_001351064.2, NM_001351067.2); c.2274C>T, p.Arg758= (NM_001351065.2, NM_001351078.2); c.2025C>T, p.Arg675= (NM_001351066.2, NM_001351080.2); c.2244C>T, p.Arg748= (NM_001351068.2); c.2187C>T, p.Arg729= (NM_001351069.2, NM_001351074.2); c.2022C>T, p.Arg674= (NM_001351070.2); c.2106C>T, p.Arg702= (NM_001351071.2); and 5 more.
Identifiers: ClinVar variation 773541 (VCV000773541.27), dbSNP rs115650575, ClinGen allele CA5701045.
Genomic context (GRCh38, chr10:114,297,337, plus strand): 5'-CCCTGCCTCAGCCTTCTTCAGGTTGTCCTTCACCTCCATGATGCTGAGCTCCAGGTCCAC[G>A]CGCCTGCTCTCCTCGCCCCGGCACTCCTCGTCAATTTCCTTCAGCTTCTGCTCCAGGCTC-3'
Protein context (NP_001001936.1, residues 720-740): DEECRGEESR[Arg730=]VDLELSIMEV

ClinVar aggregate classification (germline): Benign/Likely benign. Review status: criteria provided, multiple submitters, no conflicts (2 of 4 stars). 2 submissions from 2 submitters: Benign (1); Likely benign (1). Last evaluated 2023-03-01.

Allele frequency attached by ClinVar (database versions not stated): gnomAD exomes 0.00019 and 0.00035; ExAC 0.00039; ESP Exome Variant Server 0.00092; gnomAD 0.00111 and 0.00112; TOPMed 0.00125; 1000 Genomes Project 0.00180; 1000 Genomes Project 30x 0.00203.
gnomAD v4.1: 467 of 1,613,864 alleles (0.029%); highest among the groups gnomAD compares: African/African-American, 0.43%; 1 homozygote.

Submissions (2):

CeGaT Center for Human Genetics Tuebingen
Classification: Likely benign. Last evaluated: 2023-03-01. Review status: criteria provided, single submitter. Criteria: CeGaT Center For Human Genetics Tuebingen Variant Classification Criteria Version 2. Collection method: clinical testing. Allele origin: germline. Affected: yes. Observed: 1 variant allele.
Comment: AFAP1L2: BP4, BP7

Labcorp Genetics (formerly Invitae), Labcorp
Classification: Benign. Last evaluated: 2017-08-08. Review status: criteria provided, single submitter. Criteria: Invitae Variant Classification Sherloc (09022015). Collection method: clinical testing. Allele origin: germline.